The following is an entry in ClinVar:

NM_022489.4(INF2):c.765C>T (p.Asp255=)

Gene: INF2 (inverted formin 2; plus strand). Cytogenetic location: 14q32.33.
Variant type: single nucleotide variant.
Coding change: c.765C>T on transcript NM_022489.4 (MANE Select); coding-DNA position 765, C replaced by T.
Protein change: p.Asp255=; no amino-acid change (aspartic acid 255 retained).
Molecular consequence: synonymous variant.
Genome position (GRCh38, 1-based): chr14:104,706,098, C>T. VCF-style: chr14-104706098-C-T. GRCh37 (hg19) VCF-style: chr14-105172435-C-T.
Other names: c.765C>T (NM_022489.3); c.765C>T, p.Asp255= (NM_001031714.4).
Identifiers: ClinVar variation 1603228 (VCV001603228.10), dbSNP rs758423191, ClinGen allele CA7372417.

ClinVar aggregate classification (germline): Likely benign. Review status: criteria provided, multiple submitters, no conflicts (2 of 4 stars). 3 submissions from 3 submitters: Likely benign (3). Last evaluated 2025-05-21.

Conditions:
INF2-related disorder. Also called: INF2-related condition.
Focal segmental glomerulosclerosis 5 (FSGS5). Identifiers: Orphanet 656, MedGen C2750475, MONDO:0013191, OMIM 613237.
Charcot-Marie-Tooth disease dominant intermediate E. Also called: CHARCOT-MARIE-TOOTH NEUROPATHY WITH FOCAL SEGMENTAL GLOMERULONEPHRITIS. Identifiers: Orphanet 93114, MedGen C4302667, MONDO:0013758, OMIM 614455.

Allele frequency attached by ClinVar (database versions not stated): gnomAD 0.00001; ExAC 0.00002; gnomAD exomes 0.00002; TOPMed 0.00002.

Submissions (3):

Labcorp Genetics (formerly Invitae), Labcorp
Classification: Likely benign for Charcot-Marie-Tooth disease dominant intermediate E; Focal segmental glomerulosclerosis 5. Last evaluated: 2025-05-21. Review status: criteria provided, single submitter. Criteria: Invitae Variant Classification Sherloc (09022015). Collection method: clinical testing. Allele origin: germline.

PreventionGenetics, part of Exact Sciences
Classification: Likely benign for INF2-related condition. Last evaluated: 2025-04-25. Review status: criteria provided, single submitter. Criteria: ACMG Guidelines, 2015. Collection method: clinical testing. Allele origin: germline.
Comment: This variant is classified as likely benign based on ACMG/AMP sequence variant interpretation guidelines (Richards et al. 2015 PMID: 25741868, with internal and published modifications).

Fulgent Genetics
Classification: Likely benign for Focal segmental glomerulosclerosis 5; Charcot-Marie-Tooth disease dominant intermediate E. Last evaluated: 2021-07-20. Review status: criteria provided, single submitter. Criteria: ACMG Guidelines, 2015. Collection method: clinical testing. Allele origin: unknown.